The following is an entry in ClinVar:

NM_032578.4(MYPN):c.1375A>G (p.Lys459Glu)

Gene: MYPN (myopalladin; plus strand). Cytogenetic location: 10q21.3.
Variant type: single nucleotide variant.
Coding change: c.1375A>G on transcript NM_032578.4 (MANE Select); coding-DNA position 1375, A replaced by G.
Protein change: p.Lys459Glu; replaces lysine 459 with glutamic acid.
Molecular consequence: missense variant. On other transcripts: non-coding transcript variant (2).
Genome position (GRCh38, 1-based): chr10:68,158,543, A>G. VCF-style: chr10-68158543-A-G. GRCh37 (hg19) VCF-style: chr10-69918300-A-G.
Other names: c.1375A>G, p.Lys459Glu (NM_001256267.2); c.493A>G, p.Lys165Glu (NM_001256268.2); short protein forms K165E, K459E.
Identifiers: ClinVar variation 937541 (VCV000937541.7), dbSNP rs2042920077, ClinGen allele CA376834551.
Genomic context (GRCh38, chr10:68,158,543, plus strand): 5'-TAGATGCTACAAAATTTGTCAGCTTCTGAGGGTCAGCTGGTTGTCTTTGAATGCAGAGTA[A>G]AAGGAGCTCCATCTCCTAAGGTTGAGTGGTATAGAGAAGGGACTTTAATAGAAGATTCTC-3'
Protein context (NP_115967.2, residues 449-469): GQLVVFECRV[Lys459Glu]GAPSPKVEWY

ClinVar aggregate classification (germline): Uncertain significance (1 of 4 stars; one submission).

Conditions:
Dilated cardiomyopathy 1KK (CMD1KK). Identifiers: Orphanet 154, Orphanet 75249, MedGen C3714995, MONDO:0014100, OMIM 615248.

Submission:

Labcorp Genetics (formerly Invitae), Labcorp
Classification: Uncertain significance for Dilated cardiomyopathy 1KK. Last evaluated: 2021-08-24. Review status: criteria provided, single submitter. Criteria: Invitae Variant Classification Sherloc (09022015). Collection method: clinical testing. Allele origin: germline.
Comment: This sequence change replaces lysine with glutamic acid at codon 459 of the MYPN protein (p.Lys459Glu). The lysine residue is moderately conserved and there is a small physicochemical difference between lysine and glutamic acid. This variant is not present in population databases (ExAC no frequency). This variant has not been reported in the literature in individuals affected with MYPN-related conditions. Algorithms developed to predict the effect of missense changes on protein structure and function are either unavailable or do not agree on the potential impact of this missense change (SIFT: "Tolerated"; PolyPhen-2: "Probably Damaging"; Align-GVGD: "Class C0"). In summary, the available evidence is currently insufficient to determine the role of this variant in disease. Therefore, it has been classified as a Variant of Uncertain Significance.